The following is an entry in ClinVar:

ClinVar aggregate classification (germline): Uncertain significance (1 of 4 stars; one submission).

Allele frequency attached by ClinVar (database versions not stated): gnomAD exomes below 0.00001; ExAC 0.00001.
gnomAD v4.1: 4 of 1,607,454 alleles (0.00025%); highest among the groups gnomAD compares: Non-Finnish European, 0.00034%; no homozygotes.

Submission:

Labcorp Genetics (formerly Invitae), Labcorp
Classification: Uncertain significance. Last evaluated: 2022-08-17. Review status: criteria provided, single submitter. Criteria: Invitae Variant Classification Sherloc (09022015). Collection method: clinical testing. Allele origin: germline.
Comment: In summary, the available evidence is currently insufficient to determine the role of this variant in disease. Therefore, it has been classified as a Variant of Uncertain Significance. Algorithms developed to predict the effect of missense changes on protein structure and function are either unavailable or do not agree on the potential impact of this missense change (SIFT: "Tolerated"; PolyPhen-2: "Possibly Damaging"; Align-GVGD: "Class C0"). This variant has not been reported in the literature in individuals affected with WHRN-related conditions. This variant is present in population databases (rs764025457, gnomAD 0.003%). This sequence change replaces alanine, which is neutral and non-polar, with valine, which is neutral and non-polar, at codon 148 of the WHRN protein (p.Ala148Val).

NM_015404.4(WHRN):c.443C>T (p.Ala148Val)

Gene: WHRN (whirlin; minus strand). Cytogenetic location: 9q32.
Variant type: single nucleotide variant.
Coding change: c.443C>T on transcript NM_015404.4 (MANE Select); coding-DNA position 443, C replaced by T.
Protein change: p.Ala148Val; replaces alanine 148 with valine.
Molecular consequence: missense variant.
Genome position (GRCh38, 1-based): chr9:114,504,359, G>A on the plus strand (C>T on the coding strand, the complement: WHRN is on the minus strand). VCF-style: chr9-114504359-G-A. GRCh37 (hg19) VCF-style: chr9-117266639-G-A.
Other names: c.443C>T, p.Ala148Val (NM_001173425.2); short protein forms A148V.
Identifiers: ClinVar variation 1945762 (VCV001945762.5), dbSNP rs764025457, ClinGen allele CA5206275.